The following is an entry in ClinVar:

NM_030665.4(RAI1):c.3293T>C (p.Val1098Ala)

Gene: RAI1 (retinoic acid induced 1; plus strand). Cytogenetic location: 17p11.2.
Variant type: single nucleotide variant.
Coding change: c.3293T>C on transcript NM_030665.4 (MANE Select); coding-DNA position 3293, T replaced by C.
Protein change: p.Val1098Ala; replaces valine 1098 with alanine.
Molecular consequence: missense variant.
Genome position (GRCh38, 1-based): chr17:17,796,241, T>C. VCF-style: chr17-17796241-T-C. GRCh37 (hg19) VCF-style: chr17-17699555-T-C.
Other names: short protein forms V1098A.
Identifiers: ClinVar variation 2810352 (VCV002810352.3), dbSNP rs1598091559, ClinGen allele CA398553286.

ClinVar aggregate classification (germline): Uncertain significance (1 of 4 stars; one submission).

Submission:

Labcorp Genetics (formerly Invitae), Labcorp
Classification: Uncertain significance. Last evaluated: 2022-10-28. Review status: criteria provided, single submitter. Criteria: Invitae Variant Classification Sherloc (09022015). Collection method: clinical testing. Allele origin: germline.
Comment: In summary, the available evidence is currently insufficient to determine the role of this variant in disease. Therefore, it has been classified as a Variant of Uncertain Significance. Advanced modeling of protein sequence and biophysical properties (such as structural, functional, and spatial information, amino acid conservation, physicochemical variation, residue mobility, and thermodynamic stability) performed at Invitae indicates that this missense variant is not expected to disrupt RAI1 protein function. This variant has not been reported in the literature in individuals affected with RAI1-related conditions. This variant is not present in population databases (gnomAD no frequency). This sequence change replaces valine, which is neutral and non-polar, with alanine, which is neutral and non-polar, at codon 1098 of the RAI1 protein (p.Val1098Ala).